The following is an entry in ClinVar:

ClinVar aggregate classification (germline): Pathogenic/Likely pathogenic. Review status: criteria provided, multiple submitters, no conflicts (2 of 4 stars). 2 submissions from 2 submitters: Pathogenic (1); Likely pathogenic (1). Last evaluated 2025-12-19.

Conditions:
Hereditary cancer-predisposing syndrome. Also called: Neoplastic Syndromes, Hereditary; Hereditary neoplastic syndrome; Tumor predisposition; Hereditary Cancer Syndrome. Identifiers: Orphanet 140162, MedGen C0027672, MeSH D009386, MONDO:0015356.
Melanoma, uveal, susceptibility to, 2 (UVM2). Also called: Melanoma, uveal 2. Identifiers: Orphanet 39044, MedGen C1847723, MONDO:0011696, OMIM 606661.
Kury-Isidor syndrome (KURIS). Identifiers: MedGen C5676925, MONDO:0859230, OMIM 619762.
BAP1-related tumor predisposition syndrome (TPDS1). Also called: BAP1 tumor predisposition syndrome; COMMON Syndrome; TUMOR PREDISPOSITION SYNDROME 1; Tumor susceptibility linked to germline BAP1 mutations. Identifiers: Orphanet 289539, MedGen C3280492, MONDO:0013692, OMIM 614327.

Submissions (2):

Ambry Genetics
Classification: Pathogenic for Hereditary cancer-predisposing syndrome. Last evaluated: 2025-12-19. Review status: criteria provided, single submitter. Criteria: Ambry Variant Classification Scheme 2023. Collection method: clinical testing. Allele origin: germline.
Comment: The p.E631* pathogenic mutation (also known as c.1891G>T), located in coding exon 15 of the BAP1 gene, results from a G to T substitution at nucleotide position 1891. This changes the amino acid from a glutamic acid to a stop codon within coding exon 15. This variant is considered to be rare based on population cohorts in the Genome Aggregation Database (gnomAD). This alteration is expected to result in loss of function by premature protein truncation or nonsense-mediated mRNA decay. As such, this alteration is interpreted as a disease-causing mutation.

Juno Genomics, Hangzhou Juno Genomics, Inc
Classification: Likely pathogenic for BAP1-related tumor predisposition syndrome; Melanoma, uveal, susceptibility to, 2; Kury-Isidor syndrome. Review status: criteria provided, single submitter. Criteria: ACMG Guidelines, 2015. Collection method: clinical testing. Allele origin: germline.
Comment: Null variant in a gene where loss of function (LOF) is a known mechanism of disease.;Absent from controls (or at extremely low frequency if recessive) in Genome Aggregation Database.

NM_004656.4(BAP1):c.1891G>T (p.Glu631Ter)

Gene: BAP1 (BRCA1 associated deubiquitinase 1; minus strand). Cytogenetic location: 3p21.1.
Variant type: single nucleotide variant.
Coding change: c.1891G>T on transcript NM_004656.4 (MANE Select); coding-DNA position 1891, G replaced by T.
Protein change: p.Glu631Ter; replaces glutamic acid 631 with a stop codon.
Molecular consequence: nonsense.
Genome position (GRCh38, 1-based): chr3:52,402,871, C>A on the plus strand (G>T on the coding strand, the complement: BAP1 is on the minus strand). VCF-style: chr3-52402871-C-A. GRCh37 (hg19) VCF-style: chr3-52436887-C-A.
Other names: c.1837G>T, p.Glu613Ter (NM_001410772.1); short protein forms E631*, E613*.
Identifiers: ClinVar variation 4842543 (VCV004842543.3).
Genomic context (GRCh38, chr3:52,402,871, plus strand): 5'-TGAGGCACGCCTCATAGTTTGCAATCTCAGCCTCCACACACTTCAGCAGTGCCAGCAGCT[C>A]CTGCCAAAACCCAGCATTGCACCTCTGATCGGGGCGGGCCAGCAACAAAGCCCCACGAGC-3'